The following is an entry in ClinVar:

NM_173660.5(DOK7):c.325G>A (p.Gly109Ser)

Gene: DOK7 (docking protein 7; plus strand). Cytogenetic location: 4p16.3.
Variant type: single nucleotide variant.
Coding change: c.325G>A on transcript NM_173660.5 (MANE Select); coding-DNA position 325, G replaced by A.
Protein change: p.Gly109Ser; replaces glycine 109 with serine.
Molecular consequence: missense variant. On other transcripts: intron variant (1).
Genome position (GRCh38, 1-based): chr4:3,473,630, G>A. VCF-style: chr4-3473630-G-A. GRCh37 (hg19) VCF-style: chr4-3475357-G-A.
Other names: c.325G>A (NM_173660.4); c.325G>A, p.Gly109Ser (NM_001164673.2, NM_001301071.2); c.100+10079G>A (NM_001363811.2); short protein forms G109S.
Identifiers: ClinVar variation 1685753 (VCV001685753.2), dbSNP rs762952740, ClinGen allele CA2828932.

ClinVar aggregate classification (germline): Conflicting classifications of pathogenicity. Review status: criteria provided, conflicting classifications (1 of 4 stars). 2 submissions from 2 submitters: Pathogenic (1); Uncertain significance (1). Last evaluated 2025-03-11.

Conditions:
Congenital myasthenic syndrome 10. Also called: Myasthenia, limb-girdle, familial. Identifiers: Orphanet 590, MedGen C1850792, MONDO:0009690, OMIM 254300.

Allele frequency attached by ClinVar (database versions not stated): TOPMed 0.00001; ExAC 0.00002.
gnomAD v4.1: 5 of 1,567,264 alleles (0.00032%); highest among the groups gnomAD compares: South Asian, 0.0023%; no homozygotes.

Submissions (2):

GeneDx
Classification: Uncertain significance. Last evaluated: 2025-03-11. Review status: criteria provided, single submitter. Criteria: GeneDx Variant Classification Process June 2021. Collection method: clinical testing. Allele origin: germline. Affected: yes.
Comment: Not observed at significant frequency in large population cohorts (gnomAD); In silico analysis supports that this missense variant has a deleterious effect on protein structure/function; Has not been previously published as pathogenic or benign to our knowledge; This variant is associated with the following publications: (PMID: 20012313, 20603078, 26198629)

Mendelics
Classification: Pathogenic for Congenital myasthenic syndrome 10. Last evaluated: 2022-05-04. Review status: criteria provided, single submitter. Criteria: Mendelics Assertion Criteria 2019. Collection method: clinical testing. Allele origin: germline.